The following is an entry in ClinVar:

NM_022124.6(CDH23):c.3802G>A (p.Val1268Met)

Genes: C10orf105 (chromosome 10 open reading frame 105; minus strand), CDH23 (cadherin related 23; plus strand). Cytogenetic location: 10q22.1.
Variant type: single nucleotide variant.
Coding change: c.3802G>A on transcript NM_022124.6 (MANE Select); coding-DNA position 3802, G replaced by A.
Protein change: p.Val1268Met; replaces valine 1268 with methionine.
Molecular consequence: missense variant. On other transcripts: intron variant (1).
Genome position (GRCh38, 1-based): chr10:71,732,073, G>A. VCF-style: chr10-71732073-G-A. GRCh37 (hg19) VCF-style: chr10-73491830-G-A.
Other names: c.3802G>A, p.Val1268Met (NM_001171930.2); c.-6+5655C>T (NM_001168390.2); short protein forms V1268M.
Identifiers: ClinVar variation 196791 (VCV000196791.19), dbSNP rs201884261, ClinGen allele CA244165.

ClinVar aggregate classification (germline): Uncertain significance. Review status: criteria provided, multiple submitters, no conflicts (2 of 4 stars). 7 submissions from 7 submitters: Uncertain significance (5). 2 of the submissions do not count toward it. Last evaluated 2024-10-28.

Conditions:
CDH23-related disorder. Also called: CDH23-related condition; CDH23-related disorders.
Usher syndrome type 1 (USH1). Also called: RETINITIS PIGMENTOSA AND CONGENITAL DEAFNESS. Identifiers: Orphanet 231169, Orphanet 886, MedGen C1568247, MONDO:0010168, OMIM 276900.

Allele frequency attached by ClinVar (database versions not stated): ExAC 0.00003; gnomAD 0.00006 and 0.00007; gnomAD exomes 0.00002; TOPMed 0.00009.
gnomAD v4.1: 64 of 1,613,868 alleles (0.004%); highest among the groups gnomAD compares: South Asian, 0.018%; no homozygotes.

Submissions (7):

Blueprint Genetics
Classification: Uncertain significance. Last evaluated: 2024-10-28. Review status: criteria provided, single submitter. Criteria: ACMG Guidelines, 2015. Collection method: clinical testing. Allele origin: germline.

Revvity Omics, Revvity
Classification: Uncertain significance. Last evaluated: 2022-11-21. Review status: criteria provided, single submitter. Criteria: ACMG Guidelines, 2015. Collection method: clinical testing. Allele origin: germline.

Labcorp Genetics (formerly Invitae), Labcorp
Classification: Uncertain significance. Last evaluated: 2022-10-03. Review status: criteria provided, single submitter. Criteria: Invitae Variant Classification Sherloc (09022015). Collection method: clinical testing. Allele origin: germline.
Comment: This sequence change replaces valine, which is neutral and non-polar, with methionine, which is neutral and non-polar, at codon 1268 of the CDH23 protein (p.Val1268Met). This variant is present in population databases (rs201884261, gnomAD 0.01%). This variant has not been reported in the literature in individuals affected with CDH23-related conditions. ClinVar contains an entry for this variant (Variation ID: 196791). Advanced modeling of protein sequence and biophysical properties (such as structural, functional, and spatial information, amino acid conservation, physicochemical variation, residue mobility, and thermodynamic stability) performed at Invitae indicates that this missense variant is not expected to disrupt CDH23 protein function. In summary, the available evidence is currently insufficient to determine the role of this variant in disease. Therefore, it has been classified as a Variant of Uncertain Significance.

Laboratory for Molecular Medicine, Mass General Brigham Personalized Medicine
Classification: Uncertain significance. Last evaluated: 2018-10-16. Review status: criteria provided, single submitter. Criteria: LMM Criteria. Collection method: clinical testing. Allele origin: germline. Observed: 1 variant allele.
Comment: The p.Val1268Met variant in CDH23 has not been previously reported in the litera ture, but has been reported in ClinVar (Variation ID 196791). It has also been i dentified in 0.01% (3/24016) of African chromosomes by gnomAD. Computational prediction tools and conservation analysis sugge st that this variant may not impact the protein, though this information is not predictive enough to rule out pathogenicity. In summary, the clinical significan ce of the p.Val1268Met variant is uncertain. ACMG/AMP Criteria applied: PM2_Supp orting; BP4.

Eurofins Ntd Llc (ga)
Classification: Uncertain significance. Last evaluated: 2015-01-30. Review status: criteria provided, single submitter. Criteria: EGL Classification Definitions 2015. Collection method: clinical testing. Allele origin: germline. Observed: 1 variant allele, 1 heterozygote.

PreventionGenetics, part of Exact Sciences
Classification: Uncertain significance for CDH23-related condition. Last evaluated: 2024-07-15. Review status: no assertion criteria provided. Collection method: clinical testing. Allele origin: germline. Not counted in ClinVar's aggregate classification.
Comment: The CDH23 c.3802G>A variant is predicted to result in the amino acid substitution p.Val1268Met. To our knowledge, this variant has not been reported in the literature. This variant is reported in 0.012% of alleles in individuals of African descent in gnomAD. At this time, the clinical significance of this variant is uncertain due to the absence of conclusive functional and genetic evidence.

Natera, Inc.
Classification: Uncertain significance for Usher syndrome type 1. Last evaluated: 2019-10-28. Review status: no assertion criteria provided. Collection method: clinical testing. Allele origin: germline. Not counted in ClinVar's aggregate classification.